The following is an entry in ClinVar:

NM_001002800.3(SMC4):c.1925A>G (p.Tyr642Cys)

Genes: SMC4 (structural maintenance of chromosomes 4; plus strand), TRIM59-IFT80 (TRIM59-IFT80 readthrough (NMD candidate); minus strand). Cytogenetic location: 3q25.33.
Variant type: single nucleotide variant.
Coding change: c.1925A>G on transcript NM_001002800.3 (MANE Select); coding-DNA position 1925, A replaced by G.
Protein change: p.Tyr642Cys; replaces tyrosine 642 with cysteine.
Molecular consequence: missense variant.
Genome position (GRCh38, 1-based): chr3:160,420,807, A>G. VCF-style: chr3-160420807-A-G. GRCh37 (hg19) VCF-style: chr3-160138595-A-G.
Other names: c.1850A>G, p.Tyr617Cys (NM_001288753.2); c.1925A>G, p.Tyr642Cys (NM_005496.3); short protein forms Y642C, Y617C.
Identifiers: ClinVar variation 3958646 (VCV003958646.2).

ClinVar aggregate classification (germline): Uncertain significance. Review status: criteria provided, multiple submitters, no conflicts (2 of 4 stars). 2 submissions from 2 submitters: Uncertain significance (2). Last evaluated 2025-06-17.

Conditions:
Bone marrow failure syndrome. Identifiers: MedGen C2931245, MONDO:0000159.

gnomAD v4.1: 30 of 1,614,000 alleles (0.0019%); highest among the groups gnomAD compares: Admixed American, 0.047%; no homozygotes.

Submissions (2):

St. Jude Molecular Pathology, St. Jude Children's Research Hospital
Classification: Uncertain significance for Bone marrow failure syndrome. Last evaluated: 2025-06-17. Review status: criteria provided, single submitter. Criteria: St. Jude Assertion Criteria 2020. Collection method: clinical testing. Allele origin: germline.
Comment: The SMC4 c.1925A>G (p.Tyr642Cys) missense change has a maximum subpopulation frequency of 0.067% in gnomAD v2.1.1. The in silico tool REVEL predicts a deleterious effect on protein function, but to our knowledge this prediction has not been confirmed by functional studies. To our knowledge, this variant has not been reported in individuals with SMC4-associated conditions. In summary, the evidence currently available is insufficient to determine the clinical significance of this variant. It has therefore been classified as of uncertain significance.

Ambry Genetics
Classification: Uncertain significance. Last evaluated: 2025-04-30. Review status: criteria provided, single submitter. Criteria: Ambry Variant Classification Scheme 2023. Collection method: clinical testing. Allele origin: germline.